The following is an entry in ClinVar:

ClinVar aggregate classification (germline): Benign. Review status: criteria provided, multiple submitters, no conflicts (2 of 4 stars). 2 submissions from 2 submitters: Benign (2). Last evaluated 2018-06-19.

Allele frequency attached by ClinVar (database versions not stated): gnomAD 0.02347; TOPMed 0.02783; 1000 Genomes Project 0.02915; 1000 Genomes Project 30x 0.02983.
gnomAD v4.1: 17,159 of 1,229,288 alleles (1.4%); highest among the groups gnomAD compares: African/African-American, 6.8%; 245 homozygotes.

Submissions (2):

GeneDx
Classification: Benign. Last evaluated: 2018-06-19. Review status: criteria provided, single submitter. Criteria: GeneDx Variant Classification (06012015). Collection method: clinical testing. Allele origin: germline. Affected: yes.
Comment: This variant is considered likely benign or benign based on one or more of the following criteria: it is a conservative change, it occurs at a poorly conserved position in the protein, it is predicted to be benign by multiple in silico algorithms, and/or has population frequency not consistent with disease.

Breakthrough Genomics
Classification: Benign. Review status: criteria provided, single submitter. Criteria: ACMG Guidelines, 2015. Collection method: not provided. Allele origin: germline. Inheritance: Autosomal dominant inheritance. Affected: yes.

NM_000093.5(COL5A1):c.4609-107G>A

Genes: COL5A1 (collagen type V alpha 1 chain; plus strand), LOC101448202 (uncharacterized LOC101448202; minus strand). Cytogenetic location: 9q34.3.
Variant type: single nucleotide variant.
Coding change: c.4609-107G>A on transcript NM_000093.5 (MANE Select); 107 bases into the intron before coding-DNA position 4609, G replaced by A.
Molecular consequence: intron variant.
Genome position (GRCh38, 1-based): chr9:134,822,891, G>A. VCF-style: chr9-134822891-G-A. GRCh37 (hg19) VCF-style: chr9-137714737-G-A.
Other names: c.4609-107G>A (NM_001278074.1).
Identifiers: ClinVar variation 673417 (VCV000673417.2), dbSNP rs73664153, ClinGen allele CA13040930.